The following is an entry in ClinVar:

ClinVar aggregate classification (germline): Uncertain significance (1 of 4 stars; one submission).

Conditions:
Hereditary cancer-predisposing syndrome. Also called: Hereditary neoplastic syndrome; Tumor predisposition; Hereditary Cancer Syndrome; Neoplastic Syndromes, Hereditary. Identifiers: Orphanet 140162, MedGen C0027672, MeSH D009386, MONDO:0015356.

Submission:

Ambry Genetics
Classification: Uncertain significance for Hereditary cancer-predisposing syndrome. Last evaluated: 2023-08-03. Review status: criteria provided, single submitter. Criteria: Ambry Variant Classification Scheme 2023. Collection method: clinical testing. Allele origin: germline.
Comment: The p.E70A variant (also known as c.209A>C), located in coding exon 2 of the APC gene, results from an A to C substitution at nucleotide position 209. The glutamic acid at codon 70 is replaced by alanine, an amino acid with dissimilar properties. This amino acid position is highly conserved in available vertebrate species. In addition, in silico predictors for this gene do not accurately predict pathogenicity. Since supporting evidence is limited at this time, the clinical significance of this alteration remains unclear.

NM_000038.6(APC):c.209A>C (p.Glu70Ala)

Gene: APC (APC regulator of Wnt signaling pathway; plus strand). Cytogenetic location: 5q22.2.
Variant type: single nucleotide variant.
Coding change: c.209A>C on transcript NM_000038.6 (MANE Select); coding-DNA position 209, A replaced by C.
Protein change: p.Glu70Ala; replaces glutamic acid 70 with alanine.
Molecular consequence: missense variant. On other transcripts: 5 prime UTR variant (4), non-coding transcript variant (2).
Genome position (GRCh38, 1-based): chr5:112,766,399, A>C. VCF-style: chr5-112766399-A-C. GRCh37 (hg19) VCF-style: chr5-112102096-A-C.
Other names: c.209A>C, p.Glu70Ala (NM_001127510.3, NM_001354895.2, NM_001354896.2 and 16 more transcripts); c.239A>C, p.Glu80Ala (NM_001127511.3, NM_001354897.2, NM_001354902.2 and 1 more transcripts); c.134A>C, p.Glu45Ala (NM_001354898.2, NM_001354904.2, NM_001407451.1); c.32A>C, p.Glu11Ala (NM_001354900.2, NM_001354901.2, NM_001354905.2 and 1 more transcripts); c.-827A>C (NM_001354906.2, NM_001407470.1, NM_001407471.1 and 1 more transcripts); short protein forms E11A, E80A, E70A, E45A.
Identifiers: ClinVar variation 2587014 (VCV002587014.2), dbSNP rs863224539, ClinGen allele CA16021800.